The following is an entry in ClinVar:

NM_001134407.3(GRIN2A):c.2008-14C>T

Gene: GRIN2A (glutamate ionotropic receptor NMDA type subunit 2A; minus strand). Cytogenetic location: 16p13.2.
Variant type: single nucleotide variant.
Coding change: c.2008-14C>T on transcript NM_001134407.3 (MANE Select); 14 bases into the intron before coding-DNA position 2008, C replaced by T.
Molecular consequence: intron variant.
Genome position (GRCh38, 1-based): chr16:9,822,438, G>A on the plus strand (C>T on the coding strand, the complement: GRIN2A is on the minus strand). VCF-style: chr16-9822438-G-A. GRCh37 (hg19) VCF-style: chr16-9916295-G-A.
Other names: c.2008-14C>T (NM_001134408.2, NM_000833.5).
Identifiers: ClinVar variation 377940 (VCV000377940.9), dbSNP rs375126711, ClinGen allele CA7896596.

ClinVar aggregate classification (germline): Benign/Likely benign. Review status: criteria provided, multiple submitters, no conflicts (2 of 4 stars). 2 submissions from 2 submitters: Benign (1); Likely benign (1). Last evaluated 2025-09-17.

Conditions:
Landau-Kleffner syndrome (FESD). Also called: EPILEPSY, FOCAL, WITH SPEECH DISORDER AND WITH OR WITHOUT MENTAL RETARDATION; APHASIA, ACQUIRED, WITH EPILEPSY. Identifiers: Orphanet 1945, Orphanet 725, Orphanet 98818, MedGen C0282512, MONDO:0009509, OMIM 245570.

Allele frequency attached by ClinVar (database versions not stated): gnomAD 0.00013 and 0.00012; ESP Exome Variant Server 0.00008; 1000 Genomes Project 30x 0.00031; gnomAD exomes 0.00002 and 0.00006; ExAC 0.00009; TOPMed 0.00017; 1000 Genomes Project 0.00020.
gnomAD v4.1: 42 of 1,548,324 alleles (0.0027%); highest among the groups gnomAD compares: African/African-American, 0.027%; no homozygotes.

Submissions (2):

Labcorp Genetics (formerly Invitae), Labcorp
Classification: Likely benign for Landau-Kleffner syndrome. Last evaluated: 2025-09-17. Review status: criteria provided, single submitter. Criteria: Invitae Variant Classification Sherloc (09022015). Collection method: clinical testing. Allele origin: germline.

GeneDx
Classification: Benign. Last evaluated: 2015-07-21. Review status: criteria provided, single submitter. Criteria: GeneDx Variant Classification (06012015). Collection method: clinical testing. Allele origin: germline. Affected: yes.
Comment: This variant is considered likely benign or benign based on one or more of the following criteria: it is a conservative change, it occurs at a poorly conserved position in the protein, it is predicted to be benign by multiple in silico algorithms, and/or has population frequency not consistent with disease.